The following is an entry in ClinVar:

NM_001036.6(RYR3):c.10760G>C (p.Ser3587Thr)

Gene: RYR3 (ryanodine receptor 3; plus strand). Cytogenetic location: 15q14.
Variant type: single nucleotide variant.
Coding change: c.10760G>C on transcript NM_001036.6 (MANE Select); coding-DNA position 10760, G replaced by C.
Protein change: p.Ser3587Thr; replaces serine 3587 with threonine.
Molecular consequence: missense variant.
Genome position (GRCh38, 1-based): chr15:33,820,757, G>C. VCF-style: chr15-33820757-G-C. GRCh37 (hg19) VCF-style: chr15-34112958-G-C.
Other names: c.10745G>C, p.Ser3582Thr (NM_001243996.4); short protein forms S3587T, S3582T.
Identifiers: ClinVar variation 1476848 (VCV001476848.8), dbSNP rs1423109122, ClinGen allele CA391586511.

ClinVar aggregate classification (germline): Uncertain significance (1 of 4 stars; one submission).

Conditions:
Epileptic encephalopathy. Identifiers: MedGen C0543888, HP:0200134.

Submission:

Labcorp Genetics (formerly Invitae), Labcorp
Classification: Uncertain significance for Epileptic encephalopathy. Last evaluated: 2022-07-12. Review status: criteria provided, single submitter. Criteria: Invitae Variant Classification Sherloc (09022015). Collection method: clinical testing. Allele origin: germline.
Comment: In summary, the available evidence is currently insufficient to determine the role of this variant in disease. Therefore, it has been classified as a Variant of Uncertain Significance. Algorithms developed to predict the effect of missense changes on protein structure and function (SIFT, PolyPhen-2, Align-GVGD) all suggest that this variant is likely to be tolerated. ClinVar contains an entry for this variant (Variation ID: 1476848). This variant has not been reported in the literature in individuals affected with RYR3-related conditions. This variant is not present in population databases (gnomAD no frequency). This sequence change replaces serine, which is neutral and polar, with threonine, which is neutral and polar, at codon 3587 of the RYR3 protein (p.Ser3587Thr).